The following is an entry in ClinVar:

ClinVar aggregate classification (germline): Pathogenic/Likely pathogenic. Review status: criteria provided, multiple submitters, no conflicts (2 of 4 stars). 4 submissions from 4 submitters: Pathogenic (1); Likely pathogenic (3). Last evaluated 2026-06-23.

Conditions:
Familial cancer of breast. Also called: Hereditary breast cancer; hereditary breast carcinoma; BREAST CANCER, FAMILIAL. Identifiers: Orphanet 227535, MedGen C0346153, MONDO:0016419, OMIM 114480. Disease mechanism: loss of function.
Pancreatic cancer, susceptibility to, 3. Identifiers: Orphanet 1333, MedGen C3150547, MONDO:0013236, OMIM 613348.
Fanconi anemia complementation group N. Also called: PALB2-Related Fanconi Anemia. Identifiers: Orphanet 84, MedGen C1835817, MONDO:0012565, OMIM 610832. Disease mechanism: loss of function.
Breast-ovarian cancer, familial, susceptibility to, 5 (BROVCA5). Identifiers: MedGen C5830615, MONDO:0957530, OMIM 620442.
Hereditary cancer-predisposing syndrome. Also called: Tumor predisposition; Hereditary Cancer Syndrome; Hereditary neoplastic syndrome; Neoplastic Syndromes, Hereditary. Identifiers: Orphanet 140162, MedGen C0027672, MeSH D009386, MONDO:0015356.

Submissions (4):

Ambry Genetics
Classification: Likely pathogenic for Hereditary cancer-predisposing syndrome. Last evaluated: 2026-06-23. Review status: criteria provided, single submitter. Criteria: Ambry Variant Classification Scheme 2023. Collection method: clinical testing. Allele origin: germline.
Comment: The c.3351-1G>A intronic variant results from a G to A substitution one nucleotide upstream from coding exon 13 of the PALB2 gene. This nucleotide position is highly conserved in available vertebrate species. In silico splice site analysis predicts that this alteration will weaken the native splice acceptor site and will result in the creation or strengthening of a novel splice acceptor site; however direct evidence is insufficient at this time (Ambry internal data). This variant is considered to be rare based on population cohorts in the Genome Aggregation Database (gnomAD). Variants that disrupt the canonical splice site are expected to cause aberrant splicing, resulting in an abnormal protein or a transcript that is subject to nonsense-mediated mRNA decay. As such, this variant is classified as likely pathogenic.

Myriad Genetics, Inc.
Classification: Likely pathogenic for Familial cancer of breast. Last evaluated: 2026-03-25. Review status: criteria provided, single submitter. Criteria: Myriad Autosomal Dominant, Autosomal Recessive and X-Linked Classification Criteria (2023). Collection method: clinical testing. Allele origin: unknown.
Comment: This variant is considered likely pathogenic. This variant occurs within a consensus splice junction and is predicted to result in abnormal mRNA splicing of either an out-of-frame exon or an in-frame exon necessary for protein stability and/or normal function.

Fulgent Genetics
Classification: Likely pathogenic for Fanconi anemia complementation group N; Pancreatic cancer, susceptibility to, 3; Breast-ovarian cancer, familial, susceptibility to, 5. Last evaluated: 2024-06-23. Review status: criteria provided, single submitter. Criteria: ACMG Guidelines, 2015. Collection method: clinical testing. Allele origin: germline.

Labcorp Genetics (formerly Invitae), Labcorp
Classification: Pathogenic for Familial cancer of breast. Last evaluated: 2021-03-27. Review status: criteria provided, single submitter. Criteria: Invitae Variant Classification Sherloc (09022015). Collection method: clinical testing. Allele origin: germline.
Comment: For these reasons, this variant has been classified as Pathogenic. This variant disrupts the C-terminus of the PALB2 protein. Other variant(s) that disrupt this region (p.Tyr1183*) have been determined to be pathogenic (PMID: 17200668, 26315354, 17200671, 21365267, 22241545, 19609323). This suggests that variants that disrupt this region of the protein are likely to be causative of disease. Nucleotide substitutions within the consensus splice site are a relatively common cause of aberrant splicing (PMID: 17576681, 9536098). Algorithms developed to predict the effect of sequence changes on RNA splicing suggest that this variant may disrupt the consensus splice site, but this prediction has not been confirmed by published transcriptional studies. Disruption of this splice site has been observed in individual(s) with ovarian cancer (PMID: 31650731). This variant is not present in population databases (ExAC no frequency). This sequence change affects an acceptor splice site in the last intron (intron 12) of the PALB2 gene. While this is not anticipated to result in nonsense mediated decay, it likely alters RNA splicing and results in a disrupted protein product.

Literature cited by the submitters: PubMed 17200668 (cited by Labcorp Genetics (formerly Invitae), Labcorp); PubMed 26315354 (cited by Labcorp Genetics (formerly Invitae), Labcorp); PubMed 17200671 (cited by Labcorp Genetics (formerly Invitae), Labcorp); PubMed 21365267 (cited by Labcorp Genetics (formerly Invitae), Labcorp); PubMed 22241545 (cited by Labcorp Genetics (formerly Invitae), Labcorp); PubMed 19609323 (cited by Labcorp Genetics (formerly Invitae), Labcorp); PubMed 17576681 (cited by Labcorp Genetics (formerly Invitae), Labcorp); PubMed 9536098 (cited by Labcorp Genetics (formerly Invitae), Labcorp); PubMed 31650731 (cited by Labcorp Genetics (formerly Invitae), Labcorp).

NM_024675.4(PALB2):c.3351-1G>A

Gene: PALB2 (partner and localizer of BRCA2; minus strand). Cytogenetic location: 16p12.2.
Variant type: single nucleotide variant.
Coding change: c.3351-1G>A on transcript NM_024675.4 (MANE Select); the canonical splice acceptor site of the intron before coding-DNA position 3351, G replaced by A.
Molecular consequence: splice acceptor variant.
Genome position (GRCh38, 1-based): chr16:23,603,670, C>T on the plus strand (G>A on the coding strand, the complement: PALB2 is on the minus strand). VCF-style: chr16-23603670-C-T. GRCh37 (hg19) VCF-style: chr16-23614991-C-T.
Other names: c.2304-1G>A (NM_001407307.1); c.2229-1G>A (NM_001407309.1, NM_001407308.1); c.2317-1G>A (NM_001407311.1, NM_001407310.1); c.2466-1G>A (NM_001407305.1, NM_001407304.1, NM_001407306.1); c.885-1G>A (NM_001407314.1); c.1414-1G>A (NM_001407313.1); c.1563-1G>A (NM_001407312.1); c.3291-1G>A (NM_001407296.1); and 7 more.
Identifiers: ClinVar variation 1072355 (VCV001072355.13), dbSNP rs1597062406, ClinGen allele CA395138431.